The following is an entry in ClinVar:

NM_138387.4(G6PC3):c.329G>A (p.Ser110Asn)

Gene: G6PC3 (glucose-6-phosphatase catalytic subunit 3; plus strand). Cytogenetic location: 17q21.31.
Variant type: single nucleotide variant.
Coding change: c.329G>A on transcript NM_138387.4 (MANE Select); coding-DNA position 329, G replaced by A.
Protein change: p.Ser110Asn; replaces serine 110 with asparagine.
Molecular consequence: missense variant. On other transcripts: 5 prime UTR variant (4).
Genome position (GRCh38, 1-based): chr17:44,074,683, G>A. VCF-style: chr17-44074683-G-A. GRCh37 (hg19) VCF-style: chr17-42152051-G-A.
Other names: c.329G>A, p.Ser110Asn (NM_001319945.2); c.-17G>A (NM_001384165.1, NM_001384166.1, NM_001384167.1 and 1 more transcripts); short protein forms S110N.
Identifiers: ClinVar variation 4620521 (VCV004620521.1).

ClinVar aggregate classification (germline): Uncertain significance (1 of 4 stars; one submission).

Conditions:
Inborn genetic diseases. Identifiers: MedGen C0950123, MeSH D030342.

Submission:

Ambry Genetics
Classification: Uncertain significance for Inborn genetic diseases. Last evaluated: 2025-11-20. Review status: criteria provided, single submitter. Criteria: Ambry Variant Classification Scheme 2023. Collection method: clinical testing. Allele origin: germline.
Comment: The p.S110N variant (also known as c.329G>A), located in coding exon 3 of the G6PC3 gene, results from a G to A substitution at nucleotide position 329. The serine at codon 110 is replaced by asparagine, an amino acid with highly similar properties. This amino acid position is conserved. In addition, the in silico prediction for this alteration is inconclusive. Based on the available evidence, the clinical significance of this variant remains unclear.